The following is an entry in ClinVar:

ClinVar aggregate classification (germline): Benign. Review status: criteria provided, multiple submitters, no conflicts (2 of 4 stars). 4 submissions from 4 submitters: Benign (4). Last evaluated 2021-08-10.

Conditions:
Maturity-onset diabetes of the young type 3. Also called: MODY type 3; MODY, type III. Identifiers: Orphanet 552, MedGen C1838100, MeSH C563933, MONDO:0010894, OMIM 600496. Disease mechanism: loss of function.
Maturity-onset diabetes of the young (MODY). Also called: Maturity onset diabetes mellitus in young. Identifiers: Orphanet 552, MedGen C0342276, MONDO:0018911, HP:0004904.

Allele frequency attached by ClinVar (database versions not stated): ESP Exome Variant Server 0.24927; gnomAD 0.26300 and 0.27256; TOPMed 0.26874; 1000 Genomes Project 30x 0.30981; gnomAD exomes 0.31179 and 0.33902; 1000 Genomes Project 0.31869; ExAC 0.33838.

Submissions (4):

Genome-Nilou Lab
Classification: Benign for Maturity-onset diabetes of the young type 3. Last evaluated: 2021-08-10. Review status: criteria provided, single submitter. Criteria: ACMG Guidelines, 2015. Collection method: clinical testing. Allele origin: germline. Affected: no.

GeneDx
Classification: Benign. Last evaluated: 2018-06-14. Review status: criteria provided, single submitter. Criteria: GeneDx Variant Classification (06012015). Collection method: clinical testing. Allele origin: germline. Affected: yes.
Comment: This variant is considered likely benign or benign based on one or more of the following criteria: it is a conservative change, it occurs at a poorly conserved position in the protein, it is predicted to be benign by multiple in silico algorithms, and/or has population frequency not consistent with disease.

Breakthrough Genomics
Classification: Benign. Review status: criteria provided, single submitter. Criteria: ACMG Guidelines, 2015. Collection method: not provided. Allele origin: germline. Inheritance: Autosomal dominant inheritance. Affected: yes.

Clinical Genomics, Uppaluri K&H Personalized Medicine Clinic
Classification: Benign for Maturity-onset diabetes of the young. Review status: criteria provided, single submitter. Criteria: K & H Uppaluri Personalized Medicine Clinic Variant Classification & Assertion Criteria_Updated V.1. Collection method: research. Allele origin: unknown. Inheritance: Autosomal dominant inheritance.
Comment: Mutations in HNF1A gene can predispose to MODY3. It is associated with both micro and macrovascular complications of diabetes, especially cardiovascular complications. Associated with glucosuria. May respond well to sulfonylureas. However, more evidence is required to confer the association of this particular variant rs1169301 with MODY3.

Literature cited by the submitters: PubMed 31517624 (cited by Clinical Genomics, Uppaluri K&H Personalized Medicine Clinic); PubMed 32395877 (cited by Clinical Genomics, Uppaluri K&H Personalized Medicine Clinic); PubMed 35328643 (cited by Clinical Genomics, Uppaluri K&H Personalized Medicine Clinic).

NM_000545.8(HNF1A):c.527-23C>T

Gene: HNF1A (HNF1 homeobox A; plus strand). Cytogenetic location: 12q24.31.
Variant type: single nucleotide variant.
Coding change: c.527-23C>T on transcript NM_000545.8 (MANE Select); 23 bases into the intron before coding-DNA position 527, C replaced by T.
Molecular consequence: intron variant.
Genome position (GRCh38, 1-based): chr12:120,993,497, C>T. VCF-style: chr12-120993497-C-T. GRCh37 (hg19) VCF-style: chr12-121431300-C-T.
Other names: c.527-23C>T (NM_001306179.2).
Identifiers: ClinVar variation 673536 (VCV000673536.5), dbSNP rs1169301, ClinGen allele CA6831777.